The following is an entry in ClinVar:

ClinVar aggregate classification (germline): Uncertain significance. Review status: criteria provided, multiple submitters, no conflicts (2 of 4 stars). 3 submissions from 3 submitters: Uncertain significance (3). Last evaluated 2025-04-12.

Conditions:
Inborn genetic diseases. Identifiers: MedGen C0950123, MeSH D030342.

Allele frequency attached by ClinVar (database versions not stated): gnomAD exomes below 0.00001; gnomAD 0.00001; TOPMed 0.00001.
gnomAD v4.1: 22 of 1,613,974 alleles (0.0014%); highest among the groups gnomAD compares: East Asian, 0.0022%; no homozygotes.

Submissions (3):

Ambry Genetics
Classification: Uncertain significance for Inborn genetic diseases. Last evaluated: 2025-04-12. Review status: criteria provided, single submitter. Criteria: Ambry Variant Classification Scheme 2023. Collection method: clinical testing. Allele origin: germline.

Labcorp Genetics (formerly Invitae), Labcorp
Classification: Uncertain significance. Last evaluated: 2023-11-12. Review status: criteria provided, single submitter. Criteria: Invitae Variant Classification Sherloc (09022015). Collection method: clinical testing. Allele origin: germline.
Comment: This sequence change replaces proline, which is neutral and non-polar, with alanine, which is neutral and non-polar, at codon 690 of the C2CD3 protein (p.Pro690Ala). This variant is present in population databases (no rsID available, gnomAD no frequency). This variant has not been reported in the literature in individuals affected with C2CD3-related conditions. ClinVar contains an entry for this variant (Variation ID: 389614). Advanced modeling of protein sequence and biophysical properties (such as structural, functional, and spatial information, amino acid conservation, physicochemical variation, residue mobility, and thermodynamic stability) performed at Invitae indicates that this missense variant is not expected to disrupt C2CD3 protein function with a negative predictive value of 80%. In summary, the available evidence is currently insufficient to determine the role of this variant in disease. Therefore, it has been classified as a Variant of Uncertain Significance.

GeneDx
Classification: Uncertain significance. Last evaluated: 2016-10-06. Review status: criteria provided, single submitter. Criteria: GeneDx Variant Classification (06012015). Collection method: clinical testing. Allele origin: germline. Affected: yes.
Comment: The P690A variant in the C2CD3 gene has not been reported previously as a pathogenic variant, noras a benign variant, to our knowledge. The P690A variant was not observed in approximately 6500individuals of European and African American ancestry in the NHLBI Exome Sequencing Project,indicating it is not a common benign variant in these populations. The P690A variant is asemi-conservative amino acid substitution, which may impact secondary protein structure as theseresidues differ in some properties. This substitution occurs at a position that is not conserved and insilico analysis predicts this variant likely does not alter the protein structure/function. We interpretP690A as a variant of uncertain significance.

NM_001286577.2(C2CD3):c.2068C>G (p.Pro690Ala)

Gene: C2CD3 (C2 domain containing 3 centriole elongation regulator; minus strand). Cytogenetic location: 11q13.4.
Variant type: single nucleotide variant.
Coding change: c.2068C>G on transcript NM_001286577.2 (MANE Select); coding-DNA position 2068, C replaced by G.
Protein change: p.Pro690Ala; replaces proline 690 with alanine.
Molecular consequence: missense variant.
Genome position (GRCh38, 1-based): chr11:74,106,388, G>C on the plus strand (C>G on the coding strand, the complement: C2CD3 is on the minus strand). VCF-style: chr11-74106388-G-C. GRCh37 (hg19) VCF-style: chr11-73817433-G-C.
Other names: c.2068C>G, p.Pro690Ala (NM_015531.6); c.2068C>G (NM_015531.4); short protein forms P690A.
Identifiers: ClinVar variation 389614 (VCV000389614.8), dbSNP rs1000605555, ClinGen allele CA16606030.
Genomic context (GRCh38, chr11:74,106,388, plus strand): 5'-ACTCAGCAAATACTTCTGACTTCCTGAATGTATATCTACATACCTTGAGGGGGCCAAATG[G>C]AGACTGACCATTTTCTTGTTGCACTGGAAGCTGATCACTGAAAGAAAGCAGCTCTGATTG-3'
Protein context (NP_001273506.1, residues 680-700): LPVQQENGQS[Pro690Ala]FGPLKVTMEL